The following is an entry in ClinVar:

NM_001292063.2(OTOG):c.2481C>G (p.Val827=)

Gene: OTOG (otogelin; plus strand). Cytogenetic location: 11p15.1.
Variant type: single nucleotide variant.
Coding change: c.2481C>G on transcript NM_001292063.2 (MANE Select); coding-DNA position 2481, C replaced by G.
Protein change: p.Val827=; no amino-acid change (valine 827 retained).
Molecular consequence: synonymous variant.
Genome position (GRCh38, 1-based): chr11:17,574,907, C>G. VCF-style: chr11-17574907-C-G. GRCh37 (hg19) VCF-style: chr11-17596454-C-G.
Other names: c.2517C>G, p.Val839= (NM_001277269.2).
Identifiers: ClinVar variation 2641649 (VCV002641649.24), dbSNP rs1368317019, ClinGen allele CA473300198.

ClinVar aggregate classification (germline): Likely benign (1 of 4 stars; one submission).

Allele frequency attached by ClinVar (database versions not stated): TOPMed 0.00002; gnomAD 0.00003.
gnomAD v4.1: 83 of 1,504,810 alleles (0.0055%); highest among the groups gnomAD compares: Non-Finnish European, 0.0068%; no homozygotes.

Submission:

CeGaT Center for Human Genetics Tuebingen
Classification: Likely benign. Last evaluated: 2022-03-01. Review status: criteria provided, single submitter. Criteria: CeGaT Center For Human Genetics Tuebingen Variant Classification Criteria Version 2. Collection method: clinical testing. Allele origin: germline. Affected: yes. Observed: 1 variant allele.
Comment: OTOG: BP4, BP7